The following is an entry in ClinVar:

NM_015602.4(TOR1AIP1):c.1225A>G (p.Ile409Val)

Gene: TOR1AIP1 (torsin 1A interacting protein 1; plus strand). Cytogenetic location: 1q25.2.
Variant type: single nucleotide variant.
Coding change: c.1225A>G on transcript NM_015602.4 (MANE Select); coding-DNA position 1225, A replaced by G.
Protein change: p.Ile409Val; replaces isoleucine 409 with valine.
Molecular consequence: missense variant.
Genome position (GRCh38, 1-based): chr1:179,917,712, A>G. VCF-style: chr1-179917712-A-G. GRCh37 (hg19) VCF-style: chr1-179886847-A-G.
Other names: c.1228A>G, p.Ile410Val (NM_001267578.2); short protein forms I409V, I410V.
Identifiers: ClinVar variation 1355505 (VCV001355505.8), dbSNP rs752847821, ClinGen allele CA1269109.

ClinVar aggregate classification (germline): Uncertain significance (1 of 4 stars; one submission).

Conditions:
Autosomal recessive limb-girdle muscular dystrophy type 2Y (MRRSDC). Also called: Muscular dystrophy, limb-girdle, type 2y; Muscular dystrophy, autosomal recessive, with rigid spine and distal joint contractures. Identifiers: Orphanet 424261, MedGen C4511482, MONDO:0014900, OMIM 617072.

Submission:

Labcorp Genetics (formerly Invitae), Labcorp
Classification: Uncertain significance for Autosomal recessive limb-girdle muscular dystrophy type 2Y. Last evaluated: 2021-01-11. Review status: criteria provided, single submitter. Criteria: Invitae Variant Classification Sherloc (09022015). Collection method: clinical testing. Allele origin: germline.
Comment: In summary, the available evidence is currently insufficient to determine the role of this variant in disease. Therefore, it has been classified as a Variant of Uncertain Significance. Algorithms developed to predict the effect of missense changes on protein structure and function (SIFT, PolyPhen-2, Align-GVGD) all suggest that this variant is likely to be tolerated, but these predictions have not been confirmed by published functional studies and their clinical significance is uncertain. This variant has not been reported in the literature in individuals with TOR1AIP1-related conditions. This variant is present in population databases (rs752847821, ExAC 0.001%). This sequence change replaces isoleucine with valine at codon 410 of the TOR1AIP1 protein (p.Ile410Val). The isoleucine residue is moderately conserved and there is a small physicochemical difference between isoleucine and valine.